The following is an entry in ClinVar:

NM_001276270.2(MBD4):c.573G>A (p.Pro191=)

Gene: MBD4 (methyl-CpG binding domain 4, DNA glycosylase; minus strand). Cytogenetic location: 3q21.3.
Variant type: single nucleotide variant.
Coding change: c.573G>A on transcript NM_001276270.2 (MANE Select); coding-DNA position 573, G replaced by A.
Protein change: p.Pro191=; no amino-acid change (proline 191 retained).
Molecular consequence: synonymous variant. On other transcripts: intron variant (1).
Genome position (GRCh38, 1-based): chr3:129,437,071, C>T on the plus strand (G>A on the coding strand, the complement: MBD4 is on the minus strand). VCF-style: chr3-129437071-C-T. GRCh37 (hg19) VCF-style: chr3-129155914-C-T.
Other names: c.573G>A, p.Pro191= (NM_001276271.2, NM_001276272.2, NM_003925.3); c.247+737G>A (NM_001276273.2).
Identifiers: ClinVar variation 2873962 (VCV002873962.5), dbSNP rs201684514, ClinGen allele CA2605505.

ClinVar aggregate classification (germline): Benign/Likely benign. Review status: criteria provided, multiple submitters, no conflicts (2 of 4 stars). 3 submissions from 3 submitters: Benign (1); Likely benign (2). Last evaluated 2026-06-11.

Conditions:
Inborn genetic diseases. Identifiers: MedGen C0950123, MeSH D030342.
Tumor predisposition syndrome 2 (TPDS2). Also called: MBD4-ASSOCIATED NEOPLASIA SYNDROME; MBD4-Related Tumor Predisposition Syndrome; MBD4-associated neoplasia syndrome (MANS). Identifiers: Orphanet 661526, MedGen C5774186, MONDO:0859267, OMIM 619975.

Allele frequency attached by ClinVar (database versions not stated): gnomAD 0.00003; TOPMed 0.00003; 1000 Genomes Project 30x 0.00016.
gnomAD v4.1: 99 of 1,614,016 alleles (0.0061%); highest among the groups gnomAD compares: Non-Finnish European, 0.0074%; no homozygotes.

Submissions (3):

Myriad Genetics, Inc.
Classification: Benign for Tumor predisposition syndrome 2. Last evaluated: 2026-06-11. Review status: criteria provided, single submitter. Criteria: Myriad Autosomal Dominant, Autosomal Recessive and X-Linked Classification Criteria (2023). Collection method: clinical testing. Allele origin: unknown.
Comment: This variant is considered benign. This variant is a silent/synonymous amino acid change and it is not expected to impact splicing.

Labcorp Genetics (formerly Invitae), Labcorp
Classification: Likely benign. Last evaluated: 2026-01-26. Review status: criteria provided, single submitter. Criteria: Invitae Variant Classification Sherloc (09022015). Collection method: clinical testing. Allele origin: germline.

Ambry Genetics
Classification: Likely benign for Inborn genetic diseases. Last evaluated: 2024-11-26. Review status: criteria provided, single submitter. Criteria: Ambry Variant Classification Scheme 2023. Collection method: clinical testing. Allele origin: germline.